The following is an entry in ClinVar:

ClinVar aggregate classification (germline): Uncertain significance (1 of 4 stars; one submission).

Allele frequency attached by ClinVar (database versions not stated): ExAC 0.00002; ESP Exome Variant Server 0.00008; gnomAD 0.00001; gnomAD exomes 0.00001; TOPMed 0.00001.
gnomAD v4.1: 9 of 1,612,110 alleles (0.00056%); highest among the groups gnomAD compares: African/African-American, 0.0067%; no homozygotes.

Submission:

GeneDx
Classification: Uncertain significance. Last evaluated: 2021-10-15. Review status: criteria provided, single submitter. Criteria: GeneDx Variant Classification Process June 2021. Collection method: clinical testing. Allele origin: germline. Affected: yes.
Comment: In silico analysis supports that this variant does not alter splicing; Has not been previously published as pathogenic or benign to our knowledge

NM_194248.3(OTOF):c.1032G>A (p.Val344=)

Gene: OTOF (otoferlin; minus strand). Cytogenetic location: 2p23.3.
Variant type: single nucleotide variant.
Coding change: c.1032G>A on transcript NM_194248.3 (MANE Select); coding-DNA position 1032, G replaced by A.
Protein change: p.Val344=; no amino-acid change (valine 344 retained).
Molecular consequence: synonymous variant.
Genome position (GRCh38, 1-based): chr2:26,489,224, C>T on the plus strand (G>A on the coding strand, the complement: OTOF is on the minus strand). VCF-style: chr2-26489224-C-T. GRCh37 (hg19) VCF-style: chr2-26712092-C-T.
Other names: c.1032G>A, p.Val344= (NM_001287489.2).
Identifiers: ClinVar variation 1302434 (VCV001302434.2), dbSNP rs149018719, ClinGen allele CA1564410.